The following is an entry in ClinVar:

ClinVar aggregate classification (germline): Likely benign. Review status: criteria provided, multiple submitters, no conflicts (2 of 4 stars). 2 submissions from 2 submitters: Likely benign (2). Last evaluated 2024-02-22.

Allele frequency attached by ClinVar (database versions not stated): gnomAD 0.00002; gnomAD exomes 0.00003; TOPMed 0.00004; ExAC 0.00005; ESP Exome Variant Server 0.00015.
gnomAD v4.1: 53 of 1,611,706 alleles (0.0033%); highest among the groups gnomAD compares: Middle Eastern, 0.016%; no homozygotes.

Submissions (2):

Labcorp Genetics (formerly Invitae), Labcorp
Classification: Likely benign. Last evaluated: 2024-02-22. Review status: criteria provided, single submitter. Criteria: Invitae Variant Classification Sherloc (09022015). Collection method: clinical testing. Allele origin: germline.

GeneDx
Classification: Likely benign. Last evaluated: 2017-11-22. Review status: criteria provided, single submitter. Criteria: GeneDx Variant Classification (06012015). Collection method: clinical testing. Allele origin: germline. Affected: yes.
Comment: This variant is considered likely benign or benign based on one or more of the following criteria: it is a conservative change, it occurs at a poorly conserved position in the protein, it is predicted to be benign by multiple in silico algorithms, and/or has population frequency not consistent with disease.

NM_016955.4(SEPSECS):c.294C>T (p.Ser98=)

Gene: SEPSECS (Sep (O-phosphoserine) tRNA:Sec (selenocysteine) tRNA synthase; minus strand). Cytogenetic location: 4p15.2.
Variant type: single nucleotide variant.
Coding change: c.294C>T on transcript NM_016955.4 (MANE Select); coding-DNA position 294, C replaced by T.
Protein change: p.Ser98=; no amino-acid change (serine 98 retained).
Molecular consequence: synonymous variant.
Genome position (GRCh38, 1-based): chr4:25,156,950, G>A on the plus strand (C>T on the coding strand, the complement: SEPSECS is on the minus strand). VCF-style: chr4-25156950-G-A. GRCh37 (hg19) VCF-style: chr4-25158572-G-A.
Identifiers: ClinVar variation 513550 (VCV000513550.11), dbSNP rs377253617, ClinGen allele CA2877484.